The following is an entry in ClinVar:

ClinVar aggregate classification (germline): Benign (1 of 4 stars; one submission).

Allele frequency attached by ClinVar (database versions not stated): 1000 Genomes Project 0.00260; gnomAD exomes 0.00282; 1000 Genomes Project 30x 0.00297; TOPMed 0.00356; gnomAD 0.00403 and 0.00425.
gnomAD v4.1: 651 of 160,434 alleles (0.41%); highest among the groups gnomAD compares: Non-Finnish European, 0.55%; 4 homozygotes.

Submission:

GeneDx
Classification: Benign. Last evaluated: 2014-04-30. Review status: criteria provided, single submitter. Criteria: GeneDx Variant Classification (06012015). Collection method: clinical testing. Allele origin: germline. Affected: yes.
Comment: This variant is considered likely benign or benign based on one or more of the following criteria: it is a conservative change, it occurs at a poorly conserved position in the protein, it is predicted to be benign by multiple in silico algorithms, and/or has population frequency not consistent with disease.

NM_016599.5(MYOZ2):c.-42C>T

Gene: MYOZ2 (myozenin 2; plus strand). Cytogenetic location: 4q26.
Variant type: single nucleotide variant.
Coding change: c.-42C>T on transcript NM_016599.5 (MANE Select); 42 bases upstream of the start codon, C replaced by T.
Molecular consequence: 5 prime UTR variant.
Genome position (GRCh38, 1-based): chr4:119,135,955, C>T. VCF-style: chr4-119135955-C-T. GRCh37 (hg19) VCF-style: chr4-120057110-C-T.
Identifiers: ClinVar variation 138411 (VCV000138411.1), dbSNP rs146320826, ClinGen allele CA292408.